The following is an entry in ClinVar:

NM_002432.3(MNDA):c.521C>T (p.Pro174Leu)

Gene: MNDA (myeloid cell nuclear differentiation antigen; plus strand). Cytogenetic location: 1q23.1.
Variant type: single nucleotide variant.
Coding change: c.521C>T on transcript NM_002432.3 (MANE Select); coding-DNA position 521, C replaced by T.
Protein change: p.Pro174Leu; replaces proline 174 with leucine.
Molecular consequence: missense variant.
Genome position (GRCh38, 1-based): chr1:158,844,073, C>T. VCF-style: chr1-158844073-C-T. GRCh37 (hg19) VCF-style: chr1-158813863-C-T.
Other names: short protein forms P174L.
Identifiers: ClinVar variation 2448180 (VCV002448180.2), dbSNP rs1384779988, ClinGen allele CA343039369.
Genomic context (GRCh38, chr1:158,844,073, plus strand): 5'-AGCAGAGTAAGCCCCCAGGTCCCTCAGGAGCCAGCACATCTGCAGCTGTGGATCATCCCC[C>T]ACTACCCCAGACCTCATCATCAACTCCATCCAACACTTCGTTTACTCCGGTACACTCTTC-3'
Protein context (NP_002423.1, residues 164-184): ASTSAAVDHP[Pro174Leu]LPQTSSSTPS

ClinVar aggregate classification (germline): Uncertain significance (1 of 4 stars; one submission).

gnomAD v4.1: 1 of 1,613,134 alleles (0.000062%); highest among the groups gnomAD compares: East Asian, 0.0022%; no homozygotes.

Submission:

Ambry Genetics
Classification: Uncertain significance. Last evaluated: 2023-02-24. Review status: criteria provided, single submitter. Criteria: Ambry Variant Classification Scheme 2023. Collection method: clinical testing. Allele origin: germline.
Comment: The p.P174L variant (also known as c.521C>T), located in coding exon 3 of the MNDA gene, results from a C to T substitution at nucleotide position 521. The proline at codon 174 is replaced by leucine, an amino acid with similar properties. This amino acid position is conserved. In addition, this alteration is predicted to be tolerated by in silico analysis. Since supporting evidence is limited at this time, the clinical significance of this alteration remains unclear.